The following is an entry in ClinVar:

NM_001267550.2(TTN):c.68023G>T (p.Glu22675Ter)

Genes: TTN (titin; minus strand), TTN-AS1 (TTN antisense RNA 1; plus strand), LOC126806423 (CDK7 strongly-dependent group 2 enhancer GRCh37_chr2:179443309-179444508; plus strand). Cytogenetic location: 2q31.2.
Variant type: single nucleotide variant.
Coding change: c.68023G>T on transcript NM_001267550.2 (MANE Select); coding-DNA position 68023, G replaced by T.
Protein change: p.Glu22675Ter; replaces glutamic acid 22675 with a stop codon.
Molecular consequence: nonsense.
Genome position (GRCh38, 1-based): chr2:178,579,007, C>A on the plus strand (G>T on the coding strand, the complement: TTN is on the minus strand). VCF-style: chr2-178579007-C-A. GRCh37 (hg19) VCF-style: chr2-179443734-C-A.
Other names: c.63100G>T, p.Glu21034Ter (NM_001256850.1); c.40828G>T, p.Glu13610Ter (NM_003319.4); c.60319G>T, p.Glu20107Ter (NM_133378.4); c.41203G>T, p.Glu13735Ter (NM_133432.3); c.41404G>T, p.Glu13802Ter (NM_133437.4); short protein forms E22675*, E13610*, E13802*, E13735*, E20107*, E21034*.
Identifiers: ClinVar variation 4783909 (VCV004783909.1).

ClinVar aggregate classification (germline): Likely pathogenic (1 of 4 stars; one submission).

Conditions:
Dilated cardiomyopathy 1G (CMD1G). Identifiers: Orphanet 154, MedGen C1858763, MONDO:0011400, OMIM 604145.
Autosomal recessive limb-girdle muscular dystrophy type 2J (LGMDR10). Also called: Limb-girdle muscular dystrophy, type 2J; MUSCULAR DYSTROPHY, LIMB-GIRDLE, AUTOSOMAL RECESSIVE 10. Identifiers: Orphanet 140922, MedGen C1837342, MONDO:0012127, OMIM 608807.

Submission:

Labcorp Genetics (formerly Invitae), Labcorp
Classification: Likely pathogenic for Dilated cardiomyopathy 1G; Autosomal recessive limb-girdle muscular dystrophy type 2J. Last evaluated: 2025-11-25. Review status: criteria provided, single submitter. Criteria: Invitae Variant Classification Sherloc (09022015). Collection method: clinical testing. Allele origin: germline.
Comment: This sequence change creates a premature translational stop signal (p.Glu22675*) in the TTN gene. While this is not anticipated to result in nonsense mediated decay, it is expected to create a truncated TTN protein. This variant is not present in population databases (gnomAD no frequency). This variant has not been reported in the literature in individuals affected with TTN-related conditions. This variant is located in the A band of TTN (PMID: 25589632). Truncating variants in this region are significantly overrepresented in patients affected with dilated cardiomyopathy (PMID: 25589632). Truncating variants in this region have also been reported in individuals affected with autosomal recessive centronuclear myopathy (PMID: 23975875). In summary, the currently available evidence indicates that the variant is pathogenic, but additional data are needed to prove that conclusively. Therefore, this variant has been classified as Likely Pathogenic.

Literature cited by the submitters: PubMed 25589632; PubMed 23975875.